The following is an entry in ClinVar:

NM_020987.5(ANK3):c.2328G>A (p.Thr776=)

Gene: ANK3 (ankyrin 3; minus strand). Cytogenetic location: 10q21.2.
Variant type: single nucleotide variant.
Coding change: c.2328G>A on transcript NM_020987.5 (MANE Select); coding-DNA position 2328, G replaced by A.
Protein change: p.Thr776=; no amino-acid change (threonine 776 retained).
Molecular consequence: synonymous variant.
Genome position (GRCh38, 1-based): chr10:60,172,954, C>T on the plus strand (G>A on the coding strand, the complement: ANK3 is on the minus strand). VCF-style: chr10-60172954-C-T. GRCh37 (hg19) VCF-style: chr10-61932712-C-T.
Other names: c.2310G>A, p.Thr770= (NM_001204403.2); c.2277G>A, p.Thr759= (NM_001204404.2); c.2328G>A, p.Thr776= (NM_001320874.2).
Identifiers: ClinVar variation 3388327 (VCV003388327.17).

ClinVar aggregate classification (germline): Likely benign. Review status: criteria provided, multiple submitters, no conflicts (2 of 4 stars). 3 submissions from 3 submitters: Likely benign (3). Last evaluated 2025-02-24.

gnomAD v4.1: 108 of 1,613,850 alleles (0.0067%); highest among the groups gnomAD compares: East Asian, 0.0089%; no homozygotes.

Submissions (3):

Labcorp Genetics (formerly Invitae), Labcorp
Classification: Likely benign. Last evaluated: 2025-02-24. Review status: criteria provided, single submitter. Criteria: Invitae Variant Classification Sherloc (09022015). Collection method: clinical testing. Allele origin: germline.

CeGaT Center for Human Genetics Tuebingen
Classification: Likely benign. Last evaluated: 2024-10-01. Review status: criteria provided, single submitter. Criteria: CeGaT Center For Human Genetics Tuebingen Variant Classification Criteria Version 2. Collection method: clinical testing. Allele origin: germline. Affected: yes. Observed: 1 variant allele.
Comment: ANK3: BP4, BP7

Blueprint Genetics
Classification: Likely benign. Last evaluated: 2022-09-22. Review status: criteria provided, single submitter. Criteria: ACMG Guidelines, 2015. Collection method: clinical testing. Allele origin: germline.